The following is an entry in ClinVar:

NM_006904.7(PRKDC):c.10066G>T (p.Ala3356Ser)

Gene: PRKDC (protein kinase, DNA-activated, catalytic subunit; minus strand). Cytogenetic location: 8q11.21.
Variant type: single nucleotide variant.
Coding change: c.10066G>T on transcript NM_006904.7 (MANE Select); coding-DNA position 10066, G replaced by T.
Protein change: p.Ala3356Ser; replaces alanine 3356 with serine.
Molecular consequence: missense variant.
Genome position (GRCh38, 1-based): chr8:47,800,843, C>A on the plus strand (G>T on the coding strand, the complement: PRKDC is on the minus strand). VCF-style: chr8-47800843-C-A. GRCh37 (hg19) VCF-style: chr8-48713404-C-A.
Other names: c.10066G>T, p.Ala3356Ser (NM_001081640.2); short protein forms A3356S.
Identifiers: ClinVar variation 656233 (VCV000656233.4), dbSNP rs773570862, ClinGen allele CA4739409.

ClinVar aggregate classification (germline): Uncertain significance (1 of 4 stars; one submission).

Conditions:
Severe combined immunodeficiency due to DNA-PKcs deficiency. Also called: IMMUNODEFICIENCY 26 WITH NEUROLOGIC ABNORMALITIES; Immunodeficiency 26 with or without neurologic abnormalities. Identifiers: Orphanet 317425, MedGen C4014833, MONDO:0014423, OMIM 615966.

Allele frequency attached by ClinVar (database versions not stated): gnomAD 0.00001; TOPMed 0.00002; ExAC 0.00003; gnomAD exomes 0.00004.
gnomAD v4.1: 14 of 1,612,964 alleles (0.00087%); highest among the groups gnomAD compares: Admixed American, 0.02%; no homozygotes.

Submission:

Labcorp Genetics (formerly Invitae), Labcorp
Classification: Uncertain significance for Severe combined immunodeficiency due to DNA-PKcs deficiency. Last evaluated: 2022-06-20. Review status: criteria provided, single submitter. Criteria: Invitae Variant Classification Sherloc (09022015). Collection method: clinical testing. Allele origin: germline.
Comment: In summary, the available evidence is currently insufficient to determine the role of this variant in disease. Therefore, it has been classified as a Variant of Uncertain Significance. ClinVar contains an entry for this variant (Variation ID: 656233). This sequence change replaces alanine with serine at codon 3356 of the PRKDC protein (p.Ala3356Ser). The alanine residue is weakly conserved and there is a moderate physicochemical difference between alanine and serine. This variant is present in population databases (rs773570862, gnomAD 0.02%). This variant has not been reported in the literature in individuals affected with PRKDC-related conditions.